The following continues an entry in ClinVar:

NM_000465.4(BARD1):c.1409A>G (p.Asn470Ser)

Gene: BARD1. ClinVar aggregate classification (germline): Conflicting classifications of pathogenicity. Uncertain significance (8); Benign (1); Likely benign (9).

Submissions 12 to 19 of 19:

German Consortium for Hereditary Breast and Ovarian Cancer, University Hospital Cologne
Classification: Likely benign for Hereditary breast ovarian cancer syndrome. Last evaluated: 2024-01-17. Review status: criteria provided, single submitter. Criteria: ACMG Guidelines, 2015. Collection method: curation. Allele origin: germline.
Comment: Additional evidence agains pathogenicity from family/clinical data (see entries by Myriad and University of Washington). According to the ACMG standard criteria we chose these criteria: BP4 (supporting benign): CADD:15.07 REVEL: 0.17 BayesDEL:-0.584707, BS1 (supporting benign): gnomAD AF in FE

Myriad Genetics, Inc.
Classification: Likely benign for Familial cancer of breast. Last evaluated: 2023-02-24. Review status: criteria provided, single submitter. Criteria: Myriad Autosomal Dominant, Autosomal Recessive and X-Linked Classification Criteria (2023). Collection method: clinical testing. Allele origin: unknown.
Comment: This variant is considered likely benign. This variant is strongly associated with less severe personal and family histories of cancer, typical for individuals without pathogenic variants in this gene [PMID: 25085752].

National Health Laboratory Service, Universitas Academic Hospital and University of the Free State
Classification: Likely benign for Hereditary breast ovarian cancer syndrome. Last evaluated: 2022-04-19. Review status: criteria provided, single submitter. Criteria: ACMG Guidelines, 2015. Collection method: clinical testing. Allele origin: germline. Affected: yes. Observed: 1 variant allele.

CeGaT Center for Human Genetics Tuebingen
Classification: Likely benign. Last evaluated: 2022-03-01. Review status: criteria provided, single submitter. Criteria: CeGaT Center For Human Genetics Tuebingen Variant Classification Criteria Version 2. Collection method: clinical testing. Allele origin: germline. Affected: yes. Observed: 1 variant allele.
Comment: BARD1: BP4, BP5, BS1

Mendelics
Classification: Benign for Familial cancer of breast. Last evaluated: 2019-05-28. Review status: criteria provided, single submitter. Criteria: Mendelics Assertion Criteria 2017. Collection method: clinical testing. Allele origin: unknown.

Ambry Genetics
Classification: Likely benign for Hereditary cancer-predisposing syndrome. Last evaluated: 2019-03-08. Review status: criteria provided, single submitter. Criteria: Ambry Variant Classification Scheme 2023. Collection method: clinical testing. Allele origin: germline.

University of Washington Department of Laboratory Medicine, University of Washington
Classification: Likely benign for Hereditary Breast Carcinoma. Last evaluated: 2018-05-09. Review status: criteria provided, single submitter. Criteria: Tsai GJ et al. (Genet Med 2018). Collection method: research. Allele origin: germline. Inheritance: Autosomal dominant inheritance. Affected: no.
Comment: The BARD1 variant designated as NM_000465.3:c.1409A>G (p.Asn470Ser) is classified as likely benign. This variant is listed in ClinVar (Variation ID: 141739) and has been classified as likely benign by another laboratory. The missense change resulting from this variant does not lead to structural defects in the protein (Fox et al, 2008, PMID: 18480049). Additionally, in one observed family, there are no BARD1-associated cancers reported for several individuals over age 50 who have or are at risk of having the variant. Bayesian analysis integrating all of this data (Tavtigian et al, 2018, PMID:29300386) gives about a 1% probability of pathogenicity, which is consistent with a classification of likely benign. This variant is not predicted to alter BARD1 function or modify cancer risk. A modest (less than 2 fold) increase in cancer risk due to this variant cannot be excluded. This analysis was performed in conjunction with the family studies project as part of the University of Washington Find My Variant Study.

Counsyl
Classification: Uncertain significance for Familial cancer of breast. Last evaluated: 2018-05-16. Review status: no assertion criteria provided. Collection method: clinical testing. Allele origin: unknown. Not counted in ClinVar's aggregate classification.

Literature cited by the submitters: PubMed 14550946 (cited by 5 submitters); PubMed 20077502 (cited by 5 submitters); PubMed 25980754 (cited by 5 submitters); PubMed 26315354 (cited by 5 submitters); PubMed 35534704 (cited by Labcorp Genetics (formerly Invitae), Labcorp and Women's Health and Genetics/Laboratory Corporation of America, LabCorp); PubMed 18480049 (cited by 4 submitters); PubMed 33471991 (cited by Quest Diagnostics Nichols Institute San Juan Capistrano and Department of Pathology and Laboratory Medicine, Sinai Health System); PubMed 30374176 (cited by 3 submitters); PubMed 27443514 (cited by 4 submitters); PubMed 26787654 (cited by Quest Diagnostics Nichols Institute San Juan Capistrano and Women's Health and Genetics/Laboratory Corporation of America, LabCorp); PubMed 19584272 (cited by Quest Diagnostics Nichols Institute San Juan Capistrano and Women's Health and Genetics/Laboratory Corporation of America, LabCorp); PubMed 35734982 (cited by Quest Diagnostics Nichols Institute San Juan Capistrano and Women's Health and Genetics/Laboratory Corporation of America, LabCorp); PubMed 36833268 (cited by Quest Diagnostics Nichols Institute San Juan Capistrano and Women's Health and Genetics/Laboratory Corporation of America, LabCorp); PubMed 36187937 (cited by Quest Diagnostics Nichols Institute San Juan Capistrano and Women's Health and Genetics/Laboratory Corporation of America, LabCorp); PubMed 15342711 (cited by Women's Health and Genetics/Laboratory Corporation of America, LabCorp and Ambry Genetics); PubMed 31371347 (cited by Women's Health and Genetics/Laboratory Corporation of America, LabCorp); PubMed 15855896 (cited by Women's Health and Genetics/Laboratory Corporation of America, LabCorp); PubMed 26738429 (cited by Women's Health and Genetics/Laboratory Corporation of America, LabCorp); PubMed 36409970 (cited by Women's Health and Genetics/Laboratory Corporation of America, LabCorp); PubMed 25085752 (cited by Myriad Genetics, Inc.); PubMed 16633366 (cited by Ambry Genetics).